The following is an entry in ClinVar:

NM_000426.4(LAMA2):c.5261T>C (p.Val1754Ala)

Gene: LAMA2 (laminin subunit alpha 2; plus strand). Cytogenetic location: 6q22.33.
Variant type: single nucleotide variant.
Coding change: c.5261T>C on transcript NM_000426.4 (MANE Select); coding-DNA position 5261, T replaced by C.
Protein change: p.Val1754Ala; replaces valine 1754 with alanine.
Molecular consequence: missense variant.
Genome position (GRCh38, 1-based): chr6:129,393,071, T>C. VCF-style: chr6-129393071-T-C. GRCh37 (hg19) VCF-style: chr6-129714216-T-C.
Other names: c.5261T>C, p.Val1754Ala (NM_001079823.2); short protein forms V1754A.
Identifiers: ClinVar variation 1437074 (VCV001437074.5), dbSNP rs1779408092, ClinGen allele CA365614614.
Genomic context (GRCh38, chr6:129,393,071, plus strand): 5'-TCATTGTCTATTATTGGGCTGGGGGTGGTTACAGAGCTGCAGAAGCCCTTCTGAAAAAAG[T>C]GAAGAAGCTGTTTGGAGAGTCCCGGGGGGAAAATGAAGAAATGGAGAAGGATCTCCGGGA-3'
Protein context (NP_000417.3, residues 1744-1764): LVAAEALLKK[Val1754Ala]KKLFGESRGE

ClinVar aggregate classification (germline): Uncertain significance (1 of 4 stars; one submission).

Conditions:
LAMA2-related muscular dystrophy (LAMA2-RD). Also called: Laminin alpha 2-related dystrophy. Identifiers: MedGen C5679788, MONDO:0100228.

Allele frequency attached by ClinVar (database versions not stated): TOPMed below 0.00001; gnomAD exomes 0.00001.
gnomAD v4.1: 15 of 1,613,748 alleles (0.00093%); highest among the groups gnomAD compares: Non-Finnish European, 0.0013%; no homozygotes.

Submission:

Labcorp Genetics (formerly Invitae), Labcorp
Classification: Uncertain significance for LAMA2-related muscular dystrophy. Last evaluated: 2022-08-23. Review status: criteria provided, single submitter. Criteria: Invitae Variant Classification Sherloc (09022015). Collection method: clinical testing. Allele origin: germline.
Comment: This sequence change replaces valine, which is neutral and non-polar, with alanine, which is neutral and non-polar, at codon 1754 of the LAMA2 protein (p.Val1754Ala). This variant is not present in population databases (gnomAD no frequency). This variant has not been reported in the literature in individuals affected with LAMA2-related conditions. ClinVar contains an entry for this variant (Variation ID: 1437074). Advanced modeling of protein sequence and biophysical properties (such as structural, functional, and spatial information, amino acid conservation, physicochemical variation, residue mobility, and thermodynamic stability) performed at Invitae indicates that this missense variant is not expected to disrupt LAMA2 protein function. In summary, the available evidence is currently insufficient to determine the role of this variant in disease. Therefore, it has been classified as a Variant of Uncertain Significance.